The following is an entry in ClinVar:

ClinVar aggregate classification (germline): Uncertain significance. Review status: criteria provided, multiple submitters, no conflicts (2 of 4 stars). 2 submissions from 2 submitters: Uncertain significance (2). Last evaluated 2025-05-23.

Conditions:
Inborn genetic diseases. Identifiers: MedGen C0950123, MeSH D030342.

Submissions (2):

Ambry Genetics
Classification: Uncertain significance for Inborn genetic diseases. Last evaluated: 2025-05-23. Review status: criteria provided, single submitter. Criteria: Ambry Variant Classification Scheme 2023. Collection method: clinical testing. Allele origin: germline.

GeneDx
Classification: Uncertain significance. Last evaluated: 2021-04-19. Review status: criteria provided, single submitter. Criteria: GeneDx Variant Classification Process June 2021. Collection method: clinical testing. Allele origin: germline. Affected: yes.
Comment: Not observed at a significant frequency in large population cohorts (Lek et al., 2016); In silico analysis supports that this missense variant does not alter protein structure/function; Has not been previously published as pathogenic or benign to our knowledge

NM_000153.4(GALC):c.49A>C (p.Met17Leu)

Gene: GALC (galactosylceramidase; minus strand). Cytogenetic location: 14q31.3.
Variant type: single nucleotide variant.
Coding change: c.49A>C on transcript NM_000153.4 (MANE Select); coding-DNA position 49, A replaced by C.
Protein change: p.Met17Leu; replaces methionine 17 with leucine.
Molecular consequence: missense variant. On other transcripts: intron variant (1).
Genome position (GRCh38, 1-based): chr14:87,993,116, T>G on the plus strand (A>C on the coding strand, the complement: GALC is on the minus strand). VCF-style: chr14-87993116-T-G. GRCh37 (hg19) VCF-style: chr14-88459460-T-G.
Other names: c.49A>C, p.Met17Leu (NM_001201401.2); c.117+267A>C (NM_001201402.2); short protein forms M17L.
Identifiers: ClinVar variation 1314716 (VCV001314716.3), dbSNP rs376662045, ClinGen allele CA390772007.